The following is an entry in ClinVar:

ClinVar aggregate classification (germline): Uncertain significance (1 of 4 stars; one submission).

Conditions:
Fabry disease. Also called: Fabry's disease; ALPHA-GALACTOSIDASE A DEFICIENCY; ANDERSON-FABRY DISEASE; CERAMIDE TRIHEXOSIDASE DEFICIENCY; GLA DEFICIENCY; HEREDITARY DYSTOPIC LIPIDOSIS. Identifiers: Orphanet 324, MedGen C0002986, MONDO:0010526, OMIM 301500, HP:0001071. Disease mechanism: Fabry disease is due to inactivating mutations in the X-linked GLA gene resulting in deficiency of the enzyme Alpha Galactosidase-A., loss of function.

Submission:

Labcorp Genetics (formerly Invitae), Labcorp
Classification: Uncertain significance for Fabry disease. Last evaluated: 2022-06-27. Review status: criteria provided, single submitter. Criteria: Invitae Variant Classification Sherloc (09022015). Collection method: clinical testing. Allele origin: germline.
Comment: This sequence change replaces threonine, which is neutral and polar, with isoleucine, which is neutral and non-polar, at codon 385 of the GLA protein (p.Thr385Ile). This variant is present in population databases (no rsID available, gnomAD no frequency). This variant has not been reported in the literature in individuals affected with GLA-related conditions. Algorithms developed to predict the effect of missense changes on protein structure and function are either unavailable or do not agree on the potential impact of this missense change (SIFT: "Tolerated"; PolyPhen-2: "Possibly Damaging"; Align-GVGD: "Class C0"). In summary, the available evidence is currently insufficient to determine the role of this variant in disease. Therefore, it has been classified as a Variant of Uncertain Significance.

NM_000169.3(GLA):c.1154C>T (p.Thr385Ile)

Genes: GLA (galactosidase alpha; minus strand), RPL36A-HNRNPH2 (RPL36A-HNRNPH2 readthrough; plus strand). Cytogenetic location: Xq22.1.
Variant type: single nucleotide variant.
Coding change: c.1154C>T on transcript NM_000169.3 (MANE Select); coding-DNA position 1154, C replaced by T.
Protein change: p.Thr385Ile; replaces threonine 385 with isoleucine.
Molecular consequence: missense variant. On other transcripts: non-coding transcript variant (3), intron variant (2).
Genome position (GRCh38, 1-based): chrX:101,397,945, G>A on the plus strand (C>T on the coding strand, the complement: GLA is on the minus strand). VCF-style: chrX-101397945-G-A. GRCh37 (hg19) VCF-style: chrX-100652933-G-A.
Other names: c.1277C>T, p.Thr426Ile (NM_001406747.1); c.300+2488G>A (NM_001199973.2); c.177+6123G>A (NM_001199974.2); short protein forms T426I, T385I.
Identifiers: ClinVar variation 2200992 (VCV002200992.1), dbSNP rs1555984780, ClinGen allele CA413920124.